The following is an entry in ClinVar:

ClinVar aggregate classification (germline): Uncertain significance (1 of 4 stars; one submission).

Conditions:
Familial isolated arrhythmogenic right ventricular dysplasia. Identifiers: Orphanet 217656, MedGen C4274968, MONDO:0016342.

Allele frequency attached by ClinVar (database versions not stated): TOPMed below 0.00001.

Submission:

All of Us Research Program, National Institutes of Health
Classification: Uncertain significance for Familial isolated arrhythmogenic right ventricular dysplasia. Last evaluated: 2023-11-30. Review status: criteria provided, single submitter. Criteria: ACMG Guidelines, 2015. Collection method: clinical testing. Allele origin: germline. Inheritance: Autosomal dominant inheritance. Observed: 2 variant alleles, 2 heterozygotes.
Comment: This missense variant replaces aspartic acid with valine at codon 730 of the DSC2 protein. Computational prediction suggests that this variant may not impact protein structure and function (internally defined REVEL score threshold <= 0.5, PMID: 27666373). To our knowledge, functional studies have not been reported for this variant. This variant has not been reported in individuals affected with DSC2-related disorders in the literature. This variant has not been identified in the general population by the Genome Aggregation Database (gnomAD). The available evidence is insufficient to determine the role of this variant in disease conclusively. Therefore, this variant is classified as a Variant of Uncertain Significance.

This study involves interpretation of variants in research participants for the purpose of population health screening. Participant phenotype was not available at the time of variant classification. Additional details can be found in publication PMID: 35346344, PMCID: PMC8962531

NM_024422.6(DSC2):c.2189A>T (p.Asp730Val)

Gene: DSC2 (desmocollin 2; minus strand). Cytogenetic location: 18q12.1.
Variant type: single nucleotide variant.
Coding change: c.2189A>T on transcript NM_024422.6 (MANE Select); coding-DNA position 2189, A replaced by T.
Protein change: p.Asp730Val; replaces aspartic acid 730 with valine.
Molecular consequence: missense variant.
Genome position (GRCh38, 1-based): chr18:31,070,787, T>A on the plus strand (A>T on the coding strand, the complement: DSC2 is on the minus strand). VCF-style: chr18-31070787-T-A. GRCh37 (hg19) VCF-style: chr18-28650753-T-A.
Other names: c.1760A>T, p.Asp587Val (NM_001406506.1, NM_001406507.1); c.2189A>T, p.Asp730Val (NM_004949.5); short protein forms D587V, D730V.
Identifiers: ClinVar variation 3072343 (VCV003072343.1), dbSNP rs1986798721, ClinGen allele CA402112463.